The following is an entry in ClinVar:

NM_005402.4(RALA):c.416T>C (p.Val139Ala)

Gene: RALA (RAS like proto-oncogene A; plus strand). Cytogenetic location: 7p14.1.
Variant type: single nucleotide variant.
Coding change: c.416T>C on transcript NM_005402.4 (MANE Select); coding-DNA position 416, T replaced by C.
Protein change: p.Val139Ala; replaces valine 139 with alanine.
Molecular consequence: missense variant.
Genome position (GRCh38, 1-based): chr7:39,696,777, T>C. VCF-style: chr7-39696777-T-C. GRCh37 (hg19) VCF-style: chr7-39736376-T-C.
Other names: short protein forms V139A.
Identifiers: ClinVar variation 3679978 (VCV003679978.2).

ClinVar aggregate classification (germline): Uncertain significance (1 of 4 stars; one submission).

gnomAD v4.1: 3 of 1,613,588 alleles (0.00019%); highest among the groups gnomAD compares: African/African-American, 0.0027%; no homozygotes.

Submission:

Labcorp Genetics (formerly Invitae), Labcorp
Classification: Uncertain significance. Last evaluated: 2024-10-22. Review status: criteria provided, single submitter. Criteria: Invitae Variant Classification Sherloc (09022015). Collection method: clinical testing. Allele origin: germline.
Comment: This sequence change replaces valine, which is neutral and non-polar, with alanine, which is neutral and non-polar, at codon 139 of the RALA protein (p.Val139Ala). This variant is present in population databases (rs144758382, gnomAD 0.008%). This variant has not been reported in the literature in individuals affected with RALA-related conditions. Invitae Evidence Modeling of protein sequence and biophysical properties (such as structural, functional, and spatial information, amino acid conservation, physicochemical variation, residue mobility, and thermodynamic stability) indicates that this missense variant is not expected to disrupt RALA protein function with a negative predictive value of 95%. In summary, the available evidence is currently insufficient to determine the role of this variant in disease. Therefore, it has been classified as a Variant of Uncertain Significance.